The following is an entry in ClinVar:

ClinVar aggregate classification (germline): Uncertain significance. Review status: criteria provided, multiple submitters, no conflicts (2 of 4 stars). 2 submissions from 2 submitters: Uncertain significance (2). Last evaluated 2024-07-08.

Conditions:
Inborn genetic diseases. Identifiers: MedGen C0950123, MeSH D030342.
Autosomal dominant Parkinson disease 8. Also called: LRRK2-Related Parkinson Disease; Parkinson disease 8; Parkinson disease 8, susceptibility to. Identifiers: Orphanet 411602, MedGen C1846862, MONDO:0011764, OMIM 607060.

Allele frequency attached by ClinVar (database versions not stated): TOPMed below 0.00001; gnomAD 0.00001; gnomAD exomes 0.00001.
gnomAD v4.1: 14 of 1,584,846 alleles (0.00088%); highest among the groups gnomAD compares: Non-Finnish European, 0.0012%; no homozygotes.

Submissions (2):

Ambry Genetics
Classification: Uncertain significance for Inborn genetic diseases. Last evaluated: 2024-07-08. Review status: criteria provided, single submitter. Criteria: Ambry Variant Classification Scheme 2023. Collection method: clinical testing. Allele origin: germline.
Comment: The p.S898N variant (also known as c.2693G>A), located in coding exon 21 of the LRRK2 gene, results from a G to A substitution at nucleotide position 2693. The serine at codon 898 is replaced by asparagine, an amino acid with highly similar properties. This amino acid position is conserved. In addition, this alteration is predicted to be tolerated by in silico analysis. Since supporting evidence is limited at this time, the clinical significance of this alteration remains unclear.

Labcorp Genetics (formerly Invitae), Labcorp
Classification: Uncertain significance for Autosomal dominant Parkinson disease 8. Last evaluated: 2023-05-06. Review status: criteria provided, single submitter. Criteria: Invitae Variant Classification Sherloc (09022015). Collection method: clinical testing. Allele origin: germline.
Comment: In summary, the available evidence is currently insufficient to determine the role of this variant in disease. Therefore, it has been classified as a Variant of Uncertain Significance. Advanced modeling of protein sequence and biophysical properties (such as structural, functional, and spatial information, amino acid conservation, physicochemical variation, residue mobility, and thermodynamic stability) performed at Invitae indicates that this missense variant is expected to disrupt LRRK2 protein function. ClinVar contains an entry for this variant (Variation ID: 1794825). This variant has not been reported in the literature in individuals affected with LRRK2-related conditions. The frequency data for this variant in the population databases is considered unreliable, as metrics indicate poor data quality at this position in the gnomAD database. This sequence change replaces serine, which is neutral and polar, with asparagine, which is neutral and polar, at codon 898 of the LRRK2 protein (p.Ser898Asn).

NM_198578.4(LRRK2):c.2693G>A (p.Ser898Asn)

Gene: LRRK2 (leucine rich repeat kinase 2; plus strand). Cytogenetic location: 12q12.
Variant type: single nucleotide variant.
Coding change: c.2693G>A on transcript NM_198578.4 (MANE Select); coding-DNA position 2693, G replaced by A.
Protein change: p.Ser898Asn; replaces serine 898 with asparagine.
Molecular consequence: missense variant.
Genome position (GRCh38, 1-based): chr12:40,293,548, G>A. VCF-style: chr12-40293548-G-A. GRCh37 (hg19) VCF-style: chr12-40687350-G-A.
Other names: short protein forms S898N.
Identifiers: ClinVar variation 1794825 (VCV001794825.6), dbSNP rs1187417822, ClinGen allele CA384410566.